The following is an entry in ClinVar:

NM_001322934.2(NFKB2):c.2447G>A (p.Ser816Asn)

Gene: NFKB2 (nuclear factor kappa B subunit 2; plus strand). Cytogenetic location: 10q24.32.
Variant type: single nucleotide variant.
Coding change: c.2447G>A on transcript NM_001322934.2 (MANE Select); coding-DNA position 2447, G replaced by A.
Protein change: p.Ser816Asn; replaces serine 816 with asparagine.
Molecular consequence: missense variant.
Genome position (GRCh38, 1-based): chr10:102,401,898, G>A. VCF-style: chr10-102401898-G-A. GRCh37 (hg19) VCF-style: chr10-104161655-G-A.
Other names: c.2447G>A, p.Ser816Asn (NM_001288724.1, NM_002502.6, NM_001077494.3 and 1 more transcripts); c.2321G>A, p.Ser774Asn (NM_001322935.1); short protein forms S816N, S774N.
Identifiers: ClinVar variation 4769050 (VCV004769050.1).
Genomic context (GRCh38, chr10:102,401,898, plus strand): 5'-AGCGTCTGGGGCTGCGCAGCCTGGTAGACACGTACCGACAGACAACCTCACCCAGTGGCA[G>A]CCTCCTGCGCAGCTACGAGGTGGGTTGGCCTGTGCCCTGCCCCCTCCCCAGCCTCCTTTC-3'
Protein context (NP_001309863.1, residues 806-826): TYRQTTSPSG[Ser816Asn]LLRSYELAGG

ClinVar aggregate classification (germline): Uncertain significance (1 of 4 stars; one submission).

Conditions:
Immunodeficiency, common variable, 10. Also called: IMMUNODEFICIENCY, COMMON VARIABLE, WITH CENTRAL ADRENAL INSUFFICIENCY; DEFICIT IN ANTERIOR PITUITARY FUNCTION AND VARIABLE IMMUNODEFICIENCY. Identifiers: MedGen C3809991, MONDO:0014260, OMIM 615577.

gnomAD v4.1: 2 of 1,612,676 alleles (0.00012%); highest among the groups gnomAD compares: South Asian, 0.0022%; no homozygotes.

Submission:

Labcorp Genetics (formerly Invitae), Labcorp
Classification: Uncertain significance for Immunodeficiency, common variable, 10. Last evaluated: 2025-03-12. Review status: criteria provided, single submitter. Criteria: Invitae Variant Classification Sherloc (09022015). Collection method: clinical testing. Allele origin: germline.
Comment: This sequence change replaces serine, which is neutral and polar, with asparagine, which is neutral and polar, at codon 816 of the NFKB2 protein (p.Ser816Asn). This variant is present in population databases (rs775029821, gnomAD 0.003%). This variant has not been reported in the literature in individuals affected with NFKB2-related conditions. An algorithm developed to predict the effect of missense changes on protein structure and function (PolyPhen-2) suggests that this variant is likely to be disruptive. In summary, the available evidence is currently insufficient to determine the role of this variant in disease. Therefore, it has been classified as a Variant of Uncertain Significance.